The following is an entry in ClinVar:

ClinVar aggregate classification (germline): Uncertain significance (1 of 4 stars; one submission).

Conditions:
Autosomal dominant limb-girdle muscular dystrophy type 1G (LGMDD3). Also called: Limb-girdle muscular dystrophy, type 1G; MUSCULAR DYSTROPHY, LIMB-GIRDLE, AUTOSOMAL DOMINANT 3. Identifiers: Orphanet 55596, MedGen C1836765, MONDO:0012193, OMIM 609115.

gnomAD v4.1: 4 of 1,613,744 alleles (0.00025%); highest among the groups gnomAD compares: African/African-American, 0.0053%; no homozygotes.

Submission:

Labcorp Genetics (formerly Invitae), Labcorp
Classification: Uncertain significance for Autosomal dominant limb-girdle muscular dystrophy type 1G. Last evaluated: 2024-03-07. Review status: criteria provided, single submitter. Criteria: Invitae Variant Classification Sherloc (09022015). Collection method: clinical testing. Allele origin: germline.
Comment: This sequence change replaces alanine, which is neutral and non-polar, with valine, which is neutral and non-polar, at codon 327 of the HNRNPDL protein (p.Ala327Val). This variant is present in population databases (rs751792376, gnomAD 0.007%). This variant has not been reported in the literature in individuals affected with HNRNPDL-related conditions. An algorithm developed to predict the effect of missense changes on protein structure and function (PolyPhen-2) suggests that this variant is likely to be tolerated. In summary, the available evidence is currently insufficient to determine the role of this variant in disease. Therefore, it has been classified as a Variant of Uncertain Significance.

NM_031372.4(HNRNPDL):c.980C>T (p.Ala327Val)

Gene: HNRNPDL (heterogeneous nuclear ribonucleoprotein D like; minus strand). Cytogenetic location: 4q21.22.
Variant type: single nucleotide variant.
Coding change: c.980C>T on transcript NM_031372.4 (MANE Select); coding-DNA position 980, C replaced by T.
Protein change: p.Ala327Val; replaces alanine 327 with valine.
Molecular consequence: missense variant. On other transcripts: non-coding transcript variant (1).
Genome position (GRCh38, 1-based): chr4:82,427,231, G>A on the plus strand (C>T on the coding strand, the complement: HNRNPDL is on the minus strand). VCF-style: chr4-82427231-G-A. GRCh37 (hg19) VCF-style: chr4-83348384-G-A.
Other names: c.980C>T, p.Ala327Val (NM_001207000.1); short protein forms A327V.
Identifiers: ClinVar variation 3620307 (VCV003620307.2).